The following is an entry in ClinVar:

NM_022489.4(INF2):c.2640T>C (p.Asp880=)

Gene: INF2 (inverted formin 2; plus strand). Cytogenetic location: 14q32.33.
Variant type: single nucleotide variant.
Coding change: c.2640T>C on transcript NM_022489.4 (MANE Select); coding-DNA position 2640, T replaced by C.
Protein change: p.Asp880=; no amino-acid change (aspartic acid 880 retained).
Molecular consequence: synonymous variant.
Genome position (GRCh38, 1-based): chr14:104,712,857, T>C. VCF-style: chr14-104712857-T-C. GRCh37 (hg19) VCF-style: chr14-105179194-T-C.
Other names: p.Asp880=; c.2640T>C, p.Asp880= (NM_001031714.4).
Identifiers: ClinVar variation 261611 (VCV000261611.26), dbSNP rs10133301, ClinGen allele CA7373028.

ClinVar aggregate classification (germline): Benign. Review status: criteria provided, multiple submitters, no conflicts (2 of 4 stars). 12 submissions from 12 submitters: Benign (10). 2 of the submissions do not count toward it. Last evaluated 2026-02-04.

Conditions:
Focal segmental glomerulosclerosis 5 (FSGS5). Identifiers: Orphanet 656, MedGen C2750475, MONDO:0013191, OMIM 613237.
Charcot-Marie-Tooth disease dominant intermediate E. Also called: CHARCOT-MARIE-TOOTH NEUROPATHY WITH FOCAL SEGMENTAL GLOMERULONEPHRITIS. Identifiers: Orphanet 93114, MedGen C4302667, MONDO:0013758, OMIM 614455.

Allele frequency attached by ClinVar (database versions not stated): ExAC 0.86083; gnomAD exomes 0.86125; ESP Exome Variant Server 0.88030; gnomAD 0.88251 and 0.88426; TOPMed 0.89671; 1000 Genomes Project 0.90935; 1000 Genomes Project 30x 0.91318.
gnomAD v4.1: 1,372,613 of 1,612,146 alleles (85%); highest among the groups gnomAD compares: African/African-American, 97%; 585,888 homozygotes.

Submissions (12):

Labcorp Genetics (formerly Invitae), Labcorp
Classification: Benign for Charcot-Marie-Tooth disease dominant intermediate E; Focal segmental glomerulosclerosis 5. Last evaluated: 2026-02-04. Review status: criteria provided, single submitter. Criteria: Invitae Variant Classification Sherloc (09022015). Collection method: clinical testing. Allele origin: germline.

Blueprint Genetics
Classification: Benign. Last evaluated: 2024-11-27. Review status: criteria provided, single submitter. Criteria: ACMG Guidelines, 2015. Collection method: clinical testing. Allele origin: germline.

Unidad de Genómica Garrahan, Hospital de Pediatría Garrahan
Classification: Benign. Last evaluated: 2024-07-15. Review status: criteria provided, single submitter. Criteria: ACMG Guidelines, 2015. Collection method: clinical testing. Allele origin: germline. Affected: no. Observed: 92 variant alleles.
Comment: This variant is classified as Benign based on local population frequency. This variant was detected in 99% of patients studied in a panel designed for Epileptic and Developmental Encephalopathy and Progressive Myoclonus Epilepsy. Number of patients: 92. Only high quality variants are reported.

Mayo Clinic Laboratories, Mayo Clinic
Classification: Benign. Last evaluated: 2022-10-27. Review status: criteria provided, single submitter. Criteria: ACMG Guidelines, 2015. Collection method: clinical testing. Allele origin: germline. Observed: 2,437 variant alleles.

Genome-Nilou Lab
Classification: Benign for Charcot-Marie-Tooth disease dominant intermediate E. Last evaluated: 2021-08-19. Review status: criteria provided, single submitter. Criteria: ACMG Guidelines, 2015. Collection method: clinical testing. Allele origin: germline. Affected: no.

Illumina Laboratory Services, Illumina
Classification: Benign for Focal segmental glomerulosclerosis 5. Last evaluated: 2018-01-12. Review status: criteria provided, single submitter. Criteria: ICSL Variant Classification Criteria 13 December 2019. Collection method: clinical testing. Allele origin: germline.
Comment: This variant was observed in the ICSL laboratory as part of a predisposition screen in an ostensibly healthy population. It had not been previously curated by ICSL or reported in the Human Gene Mutation Database (HGMD: prior to June 1st, 2018), and was therefore a candidate for classification through an automated scoring system. Utilizing variant allele frequency, disease prevalence and penetrance estimates, and inheritance mode, an automated score was calculated to assess if this variant is too frequent to cause the disease. Based on the score and internal cut-off values, a variant classified as benign is not then subjected to further curation. The score for this variant resulted in a classification of benign for this disease.

Athena Diagnostics
Classification: Benign. Last evaluated: 2017-04-25. Review status: criteria provided, single submitter. Criteria: Athena Diagnostics Criteria. Collection method: clinical testing. Allele origin: germline.

GeneDx
Classification: Benign. Last evaluated: 2015-12-21. Review status: criteria provided, single submitter. Criteria: GeneDx Variant Classification (06012015). Collection method: clinical testing. Allele origin: germline. Affected: yes.
Comment: This variant is considered likely benign or benign based on one or more of the following criteria: it is a conservative change, it occurs at a poorly conserved position in the protein, it is predicted to be benign by multiple in silico algorithms, and/or has population frequency not consistent with disease.

Breakthrough Genomics
Classification: Benign. Review status: criteria provided, single submitter. Criteria: ACMG Guidelines, 2015. Collection method: not provided. Allele origin: germline. Inheritance: Autosomal dominant inheritance. Affected: yes.

PreventionGenetics, part of Exact Sciences
Classification: Benign. Review status: criteria provided, single submitter. Criteria: ACMG Guidelines, 2015. Collection method: clinical testing. Allele origin: germline.

Clinical Genetics, Academic Medical Center
Classification: Benign. Review status: no assertion criteria provided. Collection method: clinical testing. Allele origin: germline. Affected: yes. Study: VKGL Data-share Consensus. Not counted in ClinVar's aggregate classification.

Diagnostic Laboratory, Department of Genetics, University Medical Center Groningen
Classification: Benign. Review status: no assertion criteria provided. Collection method: clinical testing. Allele origin: germline. Affected: yes. Study: VKGL Data-share Consensus. Not counted in ClinVar's aggregate classification.